The following is an entry in ClinVar:

NM_002335.4(LRP5):c.2540A>G (p.His847Arg)

Gene: LRP5 (LDL receptor related protein 5; plus strand). Cytogenetic location: 11q13.2.
Variant type: single nucleotide variant.
Coding change: c.2540A>G on transcript NM_002335.4 (MANE Select); coding-DNA position 2540, A replaced by G.
Protein change: p.His847Arg; replaces histidine 847 with arginine.
Molecular consequence: missense variant.
Genome position (GRCh38, 1-based): chr11:68,413,725, A>G. VCF-style: chr11-68413725-A-G. GRCh37 (hg19) VCF-style: chr11-68181193-A-G.
Other names: c.797A>G, p.His266Arg (NM_001291902.2); short protein forms H266R, H847R.
Identifiers: ClinVar variation 1940194 (VCV001940194.5), dbSNP rs2496760818, ClinGen allele CA381618200.

ClinVar aggregate classification (germline): Uncertain significance (1 of 4 stars; one submission).

Allele frequency attached by ClinVar (database versions not stated): gnomAD exomes below 0.00001.
gnomAD v4.1: 3 of 1,613,618 alleles (0.00019%); highest among the groups gnomAD compares: Non-Finnish European, 0.00025%; no homozygotes.

Submission:

Labcorp Genetics (formerly Invitae), Labcorp
Classification: Uncertain significance. Last evaluated: 2023-10-04. Review status: criteria provided, single submitter. Criteria: Invitae Variant Classification Sherloc (09022015). Collection method: clinical testing. Allele origin: germline.
Comment: This sequence change replaces histidine, which is basic and polar, with arginine, which is basic and polar, at codon 847 of the LRP5 protein (p.His847Arg). This variant is not present in population databases (gnomAD no frequency). This variant has not been reported in the literature in individuals affected with LRP5-related conditions. ClinVar contains an entry for this variant (Variation ID: 1940194). Advanced modeling of protein sequence and biophysical properties (such as structural, functional, and spatial information, amino acid conservation, physicochemical variation, residue mobility, and thermodynamic stability) has been performed at Invitae for this missense variant, however the output from this modeling did not meet the statistical confidence thresholds required to predict the impact of this variant on LRP5 protein function. In summary, the available evidence is currently insufficient to determine the role of this variant in disease. Therefore, it has been classified as a Variant of Uncertain Significance.